The following is an entry in ClinVar:

NM_003072.5(SMARCA4):c.4866C>G (p.Ala1622=)

Gene: SMARCA4 (SWI/SNF related BAF chromatin remodeling complex subunit ATPase 4; plus strand). Cytogenetic location: 19p13.2.
Variant type: single nucleotide variant.
Coding change: c.4866C>G on transcript NM_003072.5 (MANE Select); coding-DNA position 4866, C replaced by G.
Protein change: p.Ala1622=; no amino-acid change (alanine 1622 retained).
Molecular consequence: synonymous variant. On other transcripts: non-coding transcript variant (1).
Genome position (GRCh38, 1-based): chr19:11,060,142, C>G. VCF-style: chr19-11060142-C-G. GRCh37 (hg19) VCF-style: chr19-11170818-C-G.
Other names: c.4866C>G, p.Ala1622= (NM_001128844.3); c.4776C>G, p.Ala1592= (NM_001128845.2); c.4773C>G, p.Ala1591= (NM_001128846.2); c.4767C>G, p.Ala1589= (NM_001128847.4, NM_001374457.1); c.4764C>G, p.Ala1588= (NM_001128848.2); c.4962C>G, p.Ala1654= (NM_001128849.3).
Identifiers: ClinVar variation 825325 (VCV000825325.14), dbSNP rs1600649152, ClinGen allele CA505495492.

ClinVar aggregate classification (germline): Benign/Likely benign. Review status: criteria provided, multiple submitters, no conflicts (2 of 4 stars). 3 submissions from 3 submitters: Benign (1); Likely benign (2). Last evaluated 2026-07-27.

Conditions:
Hereditary cancer-predisposing syndrome. Also called: Hereditary neoplastic syndrome; Neoplastic Syndromes, Hereditary; Tumor predisposition; Hereditary Cancer Syndrome. Identifiers: Orphanet 140162, MedGen C0027672, MeSH D009386, MONDO:0015356.
Rhabdoid tumor predisposition syndrome 2 (RTPS2). Identifiers: Orphanet 231108, Orphanet 69077, MedGen C2750074, MONDO:0013224, OMIM 613325.

Allele frequency attached by ClinVar (database versions not stated): gnomAD exomes 0.00001.
gnomAD v4.1: 10 of 1,551,130 alleles (0.00064%); highest among the groups gnomAD compares: East Asian, 0.024%; no homozygotes.

Submissions (3):

Myriad Genetics, Inc.
Classification: Benign for Rhabdoid tumor predisposition syndrome 2. Last evaluated: 2026-07-27. Review status: criteria provided, single submitter. Criteria: Myriad Autosomal Dominant, Autosomal Recessive and X-Linked Classification Criteria (2023). Collection method: clinical testing. Allele origin: unknown.
Comment: This variant is considered benign. This variant is a silent/synonymous amino acid change and it is not expected to impact splicing.

Labcorp Genetics (formerly Invitae), Labcorp
Classification: Likely benign for Rhabdoid tumor predisposition syndrome 2. Last evaluated: 2025-08-06. Review status: criteria provided, single submitter. Criteria: Invitae Variant Classification Sherloc (09022015). Collection method: clinical testing. Allele origin: germline.

Ambry Genetics
Classification: Likely benign for Hereditary cancer-predisposing syndrome. Last evaluated: 2015-07-17. Review status: criteria provided, single submitter. Criteria: Ambry Variant Classification Scheme 2023. Collection method: clinical testing. Allele origin: germline.